The following is an entry in ClinVar:

NC_000003.12:g.169764973G>T

Genes: TERC (telomerase RNA component; minus strand), LOC110806306 (telomerase RNA component (TERC) promoter; plus strand). Cytogenetic location: 3q26.2.
Variant type: single nucleotide variant.
Genome position: GRCh38 VCF-style: chr3-169764973-G-T. GRCh37 (hg19) VCF-style: chr3-169482761-G-T.
Identifiers: ClinVar variation 1396579 (VCV001396579.6), dbSNP rs2108183299, ClinGen allele CA436715842.

ClinVar aggregate classification (germline): Uncertain significance (1 of 4 stars; one submission).

Conditions:
Dyskeratosis congenita, autosomal dominant 1 (DKCA1). Also called: Dyskeratosis congenita Scoggins type. Identifiers: Orphanet 1775, MedGen C4551974, MONDO:0007485, OMIM 127550. Inheritance: Variable.

Submission:

Labcorp Genetics (formerly Invitae), Labcorp
Classification: Uncertain significance for Dyskeratosis congenita, autosomal dominant 1. Last evaluated: 2022-04-22. Review status: criteria provided, single submitter. Criteria: Invitae Variant Classification Sherloc (09022015). Collection method: clinical testing. Allele origin: germline.
Comment: In summary, the available evidence is currently insufficient to determine the role of this variant in disease. Therefore, it has been classified as a Variant of Uncertain Significance. This variant is located in a region of TERC in which a significant number of disease causing variants have been reported (PMID: 15082312, 21844345, 21931702). These observations suggest that this may be a clinically significant region. This variant is located within the template/pseudoknot domain of the TERC RNA component, which is required for RNA or RNP stability (PMID: 15082312, 21844345). Algorithms developed to predict the effect of sequence changes on RNA splicing suggest that this variant may create or strengthen a splice site. This variant has not been reported in the literature in individuals affected with TERC-related conditions. This variant is not present in population databases (gnomAD no frequency). This variant occurs in the TERC gene, which encodes an RNA molecule that does not result in a protein product.

Literature cited by the submitters: PubMed 15082312; PubMed 21844345; PubMed 21931702.